The following is an entry in ClinVar:

NM_001244008.2(KIF1A):c.5027T>C (p.Ile1676Thr)

Gene: KIF1A (kinesin family member 1A; minus strand). Cytogenetic location: 2q37.3.
Variant type: single nucleotide variant.
Coding change: c.5027T>C on transcript NM_001244008.2 (MANE Select); coding-DNA position 5027, T replaced by C.
Protein change: p.Ile1676Thr; replaces isoleucine 1676 with threonine.
Molecular consequence: missense variant.
Genome position (GRCh38, 1-based): chr2:240,719,193, A>G on the plus strand (T>C on the coding strand, the complement: KIF1A is on the minus strand). VCF-style: chr2-240719193-A-G. GRCh37 (hg19) VCF-style: chr2-241658610-A-G.
Other names: c.4751T>C, p.Ile1584Thr (NM_001320705.2, NM_001379649.1); c.4778T>C, p.Ile1593Thr (NM_001330289.2); c.4826T>C, p.Ile1609Thr (NM_001330290.2, NM_001379648.1); c.5102T>C, p.Ile1701Thr (NM_001379631.1); c.5003T>C, p.Ile1668Thr (NM_001379632.1); c.5000T>C, p.Ile1667Thr (NM_001379633.1, NM_001379645.1); c.4853T>C, p.Ile1618Thr (NM_001379634.1); c.4850T>C, p.Ile1617Thr (NM_001379635.1, NM_001379646.1); and 7 more; short protein forms I1584T, I1575T, I1593T, I1609T, I1676T, I1574T, I1583T, I1592T.
Identifiers: ClinVar variation 644338 (VCV000644338.35), dbSNP rs372664825, ClinGen allele CA2207192.

ClinVar aggregate classification (germline): Conflicting classifications of pathogenicity. Review status: criteria provided, conflicting classifications (1 of 4 stars). 3 submissions from 3 submitters: Uncertain significance (2); Likely benign (1). Last evaluated 2024-09-30.

Conditions:
Neuropathy, hereditary sensory, type 2C. Also called: Hereditary sensory and autonomic neuropathy type IIC; KIF1A-Related HSAN2 (HSAN2C). Identifiers: Orphanet 970, MedGen C3280168, MONDO:0013634, OMIM 614213.
Intellectual disability, autosomal dominant 9 (NESCAVS). Also called: KIF1A-Related Neurodevelopmental Disorder; NESCAV SYNDROME. Identifiers: Orphanet 662367, MedGen C5393830, MONDO:0013656, OMIM 614255.
Hereditary spastic paraplegia 30. Identifiers: Orphanet 101010, MedGen C5235139, MONDO:0012476.

Allele frequency attached by ClinVar (database versions not stated): ExAC 0.00001; gnomAD 0.00001; gnomAD exomes 0.00001; TOPMed 0.00001; ESP Exome Variant Server 0.00016.
gnomAD v4.1: 12 of 1,603,412 alleles (0.00075%); highest among the groups gnomAD compares: Non-Finnish European, 0.001%; no homozygotes.

Submissions (3):

Labcorp Genetics (formerly Invitae), Labcorp
Classification: Likely benign for Hereditary spastic paraplegia 30; Neuropathy, hereditary sensory, type 2C; Intellectual disability, autosomal dominant 9. Last evaluated: 2024-09-30. Review status: criteria provided, single submitter. Criteria: Invitae Variant Classification Sherloc (09022015). Collection method: clinical testing. Allele origin: germline.

CeGaT Center for Human Genetics Tuebingen
Classification: Uncertain significance. Last evaluated: 2023-11-01. Review status: criteria provided, single submitter. Criteria: CeGaT Center For Human Genetics Tuebingen Variant Classification Criteria Version 2. Collection method: clinical testing. Allele origin: germline. Affected: yes. Observed: 1 variant allele.
Comment: KIF1A: PM2

Blueprint Genetics
Classification: Uncertain significance. Last evaluated: 2020-09-07. Review status: criteria provided, single submitter. Criteria: ACMG Guidelines, 2015. Collection method: clinical testing. Allele origin: germline.